The following is an entry in ClinVar:

NM_001276345.2(TNNT2):c.547C>G (p.Arg183Gly)

Gene: TNNT2 (troponin T2, cardiac type; minus strand). Cytogenetic location: 1q32.1.
Variant type: single nucleotide variant.
Coding change: c.547C>G on transcript NM_001276345.2 (MANE Select); coding-DNA position 547, C replaced by G.
Protein change: p.Arg183Gly; replaces arginine 183 with glycine.
Molecular consequence: missense variant.
Genome position (GRCh38, 1-based): chr1:201,363,349, G>C on the plus strand (C>G on the coding strand, the complement: TNNT2 is on the minus strand). VCF-style: chr1-201363349-G-C. GRCh37 (hg19) VCF-style: chr1-201332477-G-C.
Other names: c.547C>G, p.Arg183Gly (NM_000364.4); c.517C>G, p.Arg173Gly (NM_001001430.3, NM_001001431.3, NM_001276347.2); c.502C>G, p.Arg168Gly (NM_001001432.3); c.427C>G, p.Arg143Gly (NM_001276346.2); short protein forms R173G, R183G, R143G, R168G.
Identifiers: ClinVar variation 165542 (VCV000165542.11), dbSNP rs727503512, ClinGen allele CA004720.
Genomic context (GRCh38, chr1:201,363,349, plus strand): 5'-TACCTACCTTCTGGATGTAACCCCCAAAATGCATCATGTTGGACAAAGCCTTCTTCTTCC[G>C]GGCCTCATCCTCAGCCTTCCTCCTGTTCTCCTCCTCCTCTCGTCGAGCCCTCTCTTCCTG-3'
Protein context (NP_001263274.1, residues 173-193): ENRRKAEDEA[Arg183Gly]KKKALSNMMH

ClinVar aggregate classification (germline): Conflicting classifications of pathogenicity. Review status: criteria provided, conflicting classifications (1 of 4 stars). 3 submissions from 3 submitters: Likely pathogenic (1); Uncertain significance (2). Last evaluated 2023-03-23.

Conditions:
Dilated cardiomyopathy 1D. Identifiers: Orphanet 154, Orphanet 54260, MedGen C1832243, MONDO:0011095, OMIM 601494.
Cardiomyopathy, familial restrictive, 3. Identifiers: Orphanet 75249, MedGen C2676271, MONDO:0012900, OMIM 612422.
Hypertrophic cardiomyopathy 2. Also called: TNNT2-Related Familial Hypertrophic Cardiomyopathy. Identifiers: MedGen C1861864, MONDO:0007266, OMIM 115195.
Primary dilated cardiomyopathy (DCM). Also called: Dilated Cardiomyopathy. Identifiers: Orphanet 217604, MedGen C0007193, MeSH D002311, MONDO:0005021, HP:0001644. Inheritance: Various modes of inheritance.

Submissions (3):

Labcorp Genetics (formerly Invitae), Labcorp
Classification: Likely pathogenic for Cardiomyopathy, familial restrictive, 3; Hypertrophic cardiomyopathy 2; Dilated cardiomyopathy 1D. Last evaluated: 2023-03-23. Review status: criteria provided, single submitter. Criteria: Invitae Variant Classification Sherloc (09022015). Collection method: clinical testing. Allele origin: germline.
Comment: In summary, the currently available evidence indicates that the variant is pathogenic, but additional data are needed to prove that conclusively. Therefore, this variant has been classified as Likely Pathogenic. This variant disrupts the p.Arg173 amino acid residue in TNNT2. Other variant(s) that disrupt this residue have been determined to be pathogenic (PMID: 22517884, 24205113). This suggests that this residue is clinically significant, and that variants that disrupt this residue are likely to be disease-causing. Experimental studies have shown that this missense change affects TNNT2 function (PMID: 33025817). Advanced modeling of protein sequence and biophysical properties (such as structural, functional, and spatial information, amino acid conservation, physicochemical variation, residue mobility, and thermodynamic stability) performed at Invitae indicates that this missense variant is expected to disrupt TNNT2 protein function. ClinVar contains an entry for this variant (Variation ID: 165542). This variant has not been reported in the literature in individuals affected with TNNT2-related conditions. This variant is not present in population databases (gnomAD no frequency). This sequence change replaces arginine, which is basic and polar, with glycine, which is neutral and non-polar, at codon 173 of the TNNT2 protein (p.Arg173Gly).

Laboratory for Molecular Medicine, Mass General Brigham Personalized Medicine
Classification: Uncertain significance. Last evaluated: 2020-03-20. Review status: criteria provided, single submitter. Criteria: LMM Criteria. Collection method: clinical testing. Allele origin: germline. Observed: 1 variant allele.
Comment: Variant classified as Uncertain Significance - Favor Pathogenic. The p.Arg173Gly variant in TNNT2 has not been previously reported in individuals with dilated cardiomyopathy (DCM) or in large population studies. This variant has also been reported by other laboratories in ClinVar (Variation ID 165542). Computational prediction tools and conservation analyses suggest that this variant may impact the protein, though this information is not predictive enough to determine pathogenicity. Two additional variants involving this codon (p.Arg173Trp and p.Arg173Gln) have been identified in individuals with dilated cardiomyopathy and are classified as likely pathogenic (p.Arg173Gln) and pathogenic (p.Arg173Trp) by this laboratory. In summary, while there is some suspicion for a pathogenic role, the clinical significance of the p.Arg173Gly variant is uncertain. ACMG/AMP Criteria applied: PM5, PM2, PP3.

Clinical Molecular Genetics Laboratory, Johns Hopkins All Children's Hospital
Classification: Uncertain significance for Dilated cardiomyopathy. Last evaluated: 2017-04-19. Review status: criteria provided, single submitter. Criteria: ACMG Guidelines, 2015. Collection method: clinical testing. Allele origin: germline. Affected: yes.

Literature cited by the submitters: PubMed 22517884 (cited by Labcorp Genetics (formerly Invitae), Labcorp); PubMed 24205113 (cited by Labcorp Genetics (formerly Invitae), Labcorp); PubMed 33025817 (cited by Labcorp Genetics (formerly Invitae), Labcorp).